The following is an entry in ClinVar:

NM_005732.4(RAD50):c.3830T>C (p.Leu1277Ser)

Genes: TH2LCRR (T helper type 2 locus control region associated RNA; minus strand), RAD50 (RAD50 double strand break repair protein; plus strand). Cytogenetic location: 5q31.1.
Variant type: single nucleotide variant.
Coding change: c.3830T>C on transcript NM_005732.4 (MANE Select); coding-DNA position 3830, T replaced by C.
Protein change: p.Leu1277Ser; replaces leucine 1277 with serine.
Molecular consequence: missense variant. On other transcripts: non-coding transcript variant (1).
Genome position (GRCh38, 1-based): chr5:132,642,255, T>C. VCF-style: chr5-132642255-T-C. GRCh37 (hg19) VCF-style: chr5-131977947-T-C.
Other names: short protein forms L1277S.
Identifiers: ClinVar variation 651181 (VCV000651181.10), dbSNP rs1465553844, ClinGen allele CA360936738.

ClinVar aggregate classification (germline): Uncertain significance. Review status: criteria provided, multiple submitters, no conflicts (2 of 4 stars). 2 submissions from 2 submitters: Uncertain significance (2). Last evaluated 2025-09-22.

Conditions:
Hereditary cancer-predisposing syndrome. Also called: Neoplastic Syndromes, Hereditary; Tumor predisposition; Hereditary Cancer Syndrome; Hereditary neoplastic syndrome. Identifiers: Orphanet 140162, MedGen C0027672, MeSH D009386, MONDO:0015356.

Allele frequency attached by ClinVar (database versions not stated): gnomAD exomes below 0.00001; TOPMed below 0.00001.
gnomAD v4.1: 1 of 1,614,140 alleles (0.000062%); highest among the groups gnomAD compares: African/African-American, 0.0013%; no homozygotes.

Submissions (2):

Ambry Genetics
Classification: Uncertain significance for Hereditary cancer-predisposing syndrome. Last evaluated: 2025-09-22. Review status: criteria provided, single submitter. Criteria: Ambry Variant Classification Scheme 2023. Collection method: clinical testing. Allele origin: germline.
Comment: The p.L1277S variant (also known as c.3830T>C), located in coding exon 25 of the RAD50 gene, results from a T to C substitution at nucleotide position 3830. The leucine at codon 1277 is replaced by serine, an amino acid with dissimilar properties. This amino acid position is conserved. In addition, this alteration is predicted to be deleterious by in silico analysis. Based on the available evidence, the clinical significance of this variant remains unclear.

Labcorp Genetics (formerly Invitae), Labcorp
Classification: Uncertain significance for Hereditary cancer-predisposing syndrome. Last evaluated: 2018-12-10. Review status: criteria provided, single submitter. Criteria: Invitae Variant Classification Sherloc (09022015). Collection method: clinical testing. Allele origin: germline.
Comment: In summary, the available evidence is currently insufficient to determine the role of this variant in disease. Therefore, it has been classified as a Variant of Uncertain Significance. Algorithms developed to predict the effect of missense changes on protein structure and function are either unavailable or do not agree on the potential impact of this missense change (SIFT: "Deleterious"; PolyPhen-2: "Probably Damaging"; Align-GVGD: "Class C0"). This variant has not been reported in the literature in individuals with RAD50-related conditions. This variant is not present in population databases (ExAC no frequency). This sequence change replaces leucine with serine at codon 1277 of the RAD50 protein (p.Leu1277Ser). The leucine residue is moderately conserved and there is a large physicochemical difference between leucine and serine.